The following is an entry in ClinVar:

NM_001369268.1(ACAN):c.386G>A (p.Gly129Glu)

Gene: ACAN (aggrecan; plus strand). Cytogenetic location: 15q26.1.
Variant type: single nucleotide variant.
Coding change: c.386G>A on transcript NM_001369268.1 (MANE Select); coding-DNA position 386, G replaced by A.
Protein change: p.Gly129Glu; replaces glycine 129 with glutamic acid.
Molecular consequence: missense variant.
Genome position (GRCh38, 1-based): chr15:88,838,978, G>A. VCF-style: chr15-88838978-G-A. GRCh37 (hg19) VCF-style: chr15-89382209-G-A.
Other names: c.386G>A, p.Gly129Glu (NM_001135.4, NM_001411096.1, NM_001411097.1 and 1 more transcripts); short protein forms G129E.
Identifiers: ClinVar variation 2431614 (VCV002431614.5), dbSNP rs2505223420, ClinGen allele CA393716397.
Genomic context (GRCh38, chr15:88,838,978, plus strand): 5'-ACCCGGCCATCCCCAGTGACGCCACCTTGGAAGTCCAGAGCCTGCGCTCCAATGACTCTG[G>A]GGTCTACCGCTGCGAGGTGATGCATGGCATCGAGGACAGCGAGGCCACCCTGGAAGTCGT-3'
Protein context (NP_001356197.1, residues 119-139): EVQSLRSNDS[Gly129Glu]VYRCEVMHGI

ClinVar aggregate classification (germline): Uncertain significance. Review status: criteria provided, multiple submitters, no conflicts (2 of 4 stars). 3 submissions from 3 submitters: Uncertain significance (3). Last evaluated 2024-03-20.

Conditions:
Short stature and advanced bone age, with or without early-onset osteoarthritis and/or osteochondritis dissecans (SSOAOD). Identifiers: Orphanet 251262, MedGen C3665488, MONDO:0100462, OMIM 165800.

Submissions (3):

GeneDx
Classification: Uncertain significance. Last evaluated: 2024-03-20. Review status: criteria provided, single submitter. Criteria: GeneDx Variant Classification Process June 2021. Collection method: clinical testing. Allele origin: germline. Affected: yes.
Comment: Not observed at significant frequency in large population cohorts (gnomAD); In silico analysis supports that this missense variant has a deleterious effect on protein structure/function; Has not been previously published as pathogenic or benign to our knowledge

Labcorp Genetics (formerly Invitae), Labcorp
Classification: Uncertain significance. Last evaluated: 2023-04-22. Review status: criteria provided, single submitter. Criteria: Invitae Variant Classification Sherloc (09022015). Collection method: clinical testing. Allele origin: germline.
Comment: In summary, the available evidence is currently insufficient to determine the role of this variant in disease. Therefore, it has been classified as a Variant of Uncertain Significance. Advanced modeling of protein sequence and biophysical properties (such as structural, functional, and spatial information, amino acid conservation, physicochemical variation, residue mobility, and thermodynamic stability) performed at Invitae indicates that this missense variant is not expected to disrupt ACAN protein function. ClinVar contains an entry for this variant (Variation ID: 2431614). This variant has not been reported in the literature in individuals affected with ACAN-related conditions. This variant is not present in population databases (gnomAD no frequency). This sequence change replaces glycine, which is neutral and non-polar, with glutamic acid, which is acidic and polar, at codon 129 of the ACAN protein (p.Gly129Glu).

Laboratorio de Genetica e Diagnostico Molecular, Hospital Israelita Albert Einstein
Classification: Uncertain significance for Short stature and advanced bone age, with or without early-onset osteoarthritis and/or osteochondritis dissecans. Last evaluated: 2022-09-16. Review status: criteria provided, single submitter. Criteria: ACMG Guidelines, 2015. Collection method: clinical testing. Allele origin: germline. Affected: yes. Observed: 1 variant allele.
Comment: ACMG classification criteria: PM2 moderated, PP3 supporting, PP4